The following is an entry in ClinVar:

ClinVar aggregate classification (germline): Pathogenic; risk factor. Review status: no assertion criteria provided (0 of 4 stars). 2 submissions from 2 submitters: Pathogenic (1). Last evaluated 2020-06-29.

Conditions:
Periventricular nodular heterotopia 9. Identifiers: MedGen C5394503, MONDO:0030061, OMIM 618918.
Periventricular nodular heterotopia (PVNH). Identifiers: Orphanet 98892, MedGen C1868720, MeSH D054091, MONDO:0020341, HP:0032388.
Autism spectrum disorder. Also called: Autism spectrum disorders. Identifiers: MedGen C1510586, MeSH D000067877, MONDO:0005258.
White matter deficit.
Hypoplasia of the corpus callosum. Also called: Corpus callosum hypoplasia. Identifiers: MedGen C0344482, HP:0002079.
Cognitive impairment. Also called: cognitive deficit. Identifiers: MedGen C0338656, HP:0100543.

Submissions (2):

OMIM
Classification: Pathogenic for PERIVENTRICULAR NODULAR HETEROTOPIA 9. Last evaluated: 2020-06-29. Review status: no assertion criteria provided. Collection method: literature only. Allele origin: germline.

deCODE genetics, Amgen
Classification: risk factor for Intellectual impairment; Autism spectrum disorder; White matter deficit; Corpus callosum hypoplasia; Periventricular nodular heterotopia. Last evaluated: 2017-02-20. Review status: no assertion criteria provided. Collection method: research. Allele origin: de novo. Inheritance: Autosomal dominant inheritance. Affected: yes. Observed: 4 variant alleles.
Comment: variant was de novo in H1 (see PMID:30150678) and then germline in 3 offspring.

As described in PMID:30150678 both carriers and related non-carriers were assessed with an extensive battery of cognitive tests and questionnaires, and their brains imaged for structural changes.

Literature cited by the submitters: PubMed 30150678 (cited by OMIM and deCODE genetics, Amgen).

NM_005909.5(MAP1B):c.3094G>T (p.Glu1032Ter)

Gene: MAP1B (microtubule associated protein 1B; plus strand). Cytogenetic location: 5q13.2.
Variant type: single nucleotide variant.
Coding change: c.3094G>T on transcript NM_005909.5 (MANE Select); coding-DNA position 3094, G replaced by T.
Protein change: p.Glu1032Ter; replaces glutamic acid 1032 with a stop codon.
Molecular consequence: nonsense.
Genome position (GRCh38, 1-based): chr5:72,196,449, G>T. VCF-style: chr5-72196449-G-T. GRCh37 (hg19) VCF-style: chr5-71492276-G-T.
Other names: c.2716G>T, p.Glu906Ter (NM_001324255.2); short protein forms E1032*, E906*.
Identifiers: ClinVar variation 800721 (VCV000800721.3), dbSNP rs1561315170, ClinGen allele CA360009672.
Genomic context (GRCh38, chr5:72,196,449, plus strand): 5'-GAGGCTGAACAATCTGAAGAGGAGGCTGATGAGGAGGACAAAGCTGAAGATGCCAGAGAG[G>T]AGGAATATGAGCCGGAAAAAATGGAAGCTGAAGACTATGTGATGGCTGTGGTCGACAAGG-3'